The following is an entry in ClinVar:

NM_001458.5(FLNC):c.5407C>A (p.Arg1803=)

Genes: FLNC-AS1 (FLNC antisense RNA 1; minus strand), FLNC (filamin C; plus strand). Cytogenetic location: 7q32.1.
Variant type: single nucleotide variant.
Coding change: c.5407C>A on transcript NM_001458.5 (MANE Select); coding-DNA position 5407, C replaced by A.
Protein change: p.Arg1803=; no amino-acid change (arginine 1803 retained).
Molecular consequence: synonymous variant.
Genome position (GRCh38, 1-based): chr7:128,850,811, C>A. VCF-style: chr7-128850811-C-A. GRCh37 (hg19) VCF-style: chr7-128490865-C-A.
Other names: c.5308C>A, p.Arg1770= (NM_001127487.2).
Identifiers: ClinVar variation 1687668 (VCV001687668.3), dbSNP rs369457426, ClinGen allele CA4475687.

ClinVar aggregate classification (germline): Conflicting classifications of pathogenicity. Review status: criteria provided, conflicting classifications (1 of 4 stars). 2 submissions from 2 submitters: Uncertain significance (1); Likely benign (1). Last evaluated 2025-04-11.

Conditions:
Myofibrillar myopathy 5. Also called: Filaminopathy (type); FILAMINOPATHY, AUTOSOMAL DOMINANT. Identifiers: Orphanet 171445, MedGen C1836050, MONDO:0012289, OMIM 609524.
Distal myopathy with posterior leg and anterior hand involvement. Also called: WILLIAMS DISTAL MYOPATHY. Identifiers: Orphanet 63273, MedGen C3279722, MONDO:0013550, OMIM 614065.
Hypertrophic cardiomyopathy 26. Also called: Cardiomyopathy, familial hypertrophic, 26. Identifiers: Orphanet 75249, MedGen C4310749, MONDO:0014883, OMIM 617047.

Allele frequency attached by ClinVar (database versions not stated): ExAC 0.00001; ESP Exome Variant Server 0.00008.
gnomAD v4.1: 4 of 1,613,548 alleles (0.00025%); highest among the groups gnomAD compares: Non-Finnish European, 0.000085%; no homozygotes.

Submissions (2):

Labcorp Genetics (formerly Invitae), Labcorp
Classification: Likely benign for Distal myopathy with posterior leg and anterior hand involvement; Myofibrillar myopathy 5; Hypertrophic cardiomyopathy 26. Last evaluated: 2025-04-11. Review status: criteria provided, single submitter. Criteria: Invitae Variant Classification Sherloc (09022015). Collection method: clinical testing. Allele origin: germline.

GeneDx
Classification: Uncertain significance. Last evaluated: 2021-11-26. Review status: criteria provided, single submitter. Criteria: GeneDx Variant Classification Process June 2021. Collection method: clinical testing. Allele origin: germline. Affected: yes.
Comment: Has not been previously published as pathogenic or benign to our knowledge; In-silico analysis is inconclusive as to whether the variant alters gene splicing. In the absence of RNA/functional studies, the actual effect of this sequence change is unknown.